The following is an entry in ClinVar:

ClinVar aggregate classification (germline): Uncertain significance (1 of 4 stars; one submission).

Submission:

CeGaT Center for Human Genetics Tuebingen
Classification: Uncertain significance. Last evaluated: 2025-11-01. Review status: criteria provided, single submitter. Criteria: CeGaT Center For Human Genetics Tuebingen Variant Classification Criteria Version 2. Collection method: clinical testing. Allele origin: germline. Affected: yes. Observed: 1 variant allele.
Comment: LRP6: PM2, PP3

NM_002336.3(LRP6):c.4771C>G (p.Pro1591Ala)

Gene: LRP6 (LDL receptor related protein 6; minus strand). Cytogenetic location: 12p13.2.
Variant type: single nucleotide variant.
Coding change: c.4771C>G on transcript NM_002336.3 (MANE Select); coding-DNA position 4771, C replaced by G.
Protein change: p.Pro1591Ala; replaces proline 1591 with alanine.
Molecular consequence: missense variant. On other transcripts: 3 prime UTR variant (1), non-coding transcript variant (1).
Genome position (GRCh38, 1-based): chr12:12,121,197, G>C on the plus strand (C>G on the coding strand, the complement: LRP6 is on the minus strand). VCF-style: chr12-12121197-G-C. GRCh37 (hg19) VCF-style: chr12-12274131-G-C.
Other names: c.4864C>G, p.Pro1622Ala (NM_001414244.1); c.4771C>G, p.Pro1591Ala (NM_001414245.1); c.4636C>G, p.Pro1546Ala (NM_001414246.1); c.4573C>G, p.Pro1525Ala (NM_001414247.1); c.*247C>G (NM_001414248.1); c.4408C>G, p.Pro1470Ala (NM_001414251.1); c.4318C>G, p.Pro1440Ala (NM_001414252.1, NM_001414253.1, NM_001414254.1); c.4264C>G, p.Pro1422Ala (NM_001414255.1); short protein forms P1422A, P1440A, P1470A, P1525A, P1546A, P1591A, P1622A.
Identifiers: ClinVar variation 4535129 (VCV004535129.6).
Genomic context (GRCh38, chr12:12,121,197, plus strand): 5'-CTGTACAGGGAGAGGGTGGCGGTGGGTAGAGGTGATGAGAATAGCTCCTCTCTGTGTATG[G>C]AGAAGGTGGGCAGCTTTCATAGTTCTCCTCTGCTGACAAGTATTGGCTTCGGGGTGTGGG-3'
Protein context (NP_002327.2, residues 1581-1601): EENYESCPPS[Pro1591Ala]YTERSYSHHL